The following is an entry in ClinVar:

ClinVar aggregate classification (germline): Uncertain significance (1 of 4 stars; one submission).

Conditions:
Hereditary cancer-predisposing syndrome. Also called: Hereditary Cancer Syndrome; Neoplastic Syndromes, Hereditary; Tumor predisposition; Hereditary neoplastic syndrome. Identifiers: Orphanet 140162, MedGen C0027672, MeSH D009386, MONDO:0015356.

Submission:

Ambry Genetics
Classification: Uncertain significance for Hereditary cancer-predisposing syndrome. Last evaluated: 2023-03-14. Review status: criteria provided, single submitter. Criteria: Ambry Variant Classification Scheme 2023. Collection method: clinical testing. Allele origin: germline.
Comment: The c.526_528delTGCinsCCT variant (also known as p.C176P), located in coding exon 3 of the RAD51C gene, results from an in-frame deletion of TGC and insertion of CCT at nucleotide positions 526 to 528. This results in the substitution of the cysteine residue for a proline residue at codon 176, an amino acid with highly dissimilar properties. This amino acid position is well conserved in available vertebrate species. In addition, the in silico prediction for this alteration is inconclusive (Choi Y et al. PLoS ONE. 2012; 7(10):e46688). Since supporting evidence is limited at this time, the clinical significance of this alteration remains unclear.

NM_058216.3(RAD51C):c.526_528delinsCCT (p.Cys176Pro)

Gene: RAD51C (RAD51 paralog C; plus strand). Cytogenetic location: 17q22.
Variant type: Indel.
Coding change: c.526_528delinsCCT on transcript NM_058216.3 (MANE Select); coding-DNA positions 526 to 528, TGC replaced by CCT.
Protein change: p.Cys176Pro; replaces cysteine 176 with proline.
Molecular consequence: missense variant.
Genome position (GRCh38, 1-based): chr17:58,696,814-58,696,816, TGC replaced by CCT. VCF-style: chr17-58696814-TGC-CCT. GRCh37 (hg19) VCF-style: chr17-56774175-TGC-CCT.
Other names: short protein forms C176P.
Identifiers: ClinVar variation 1746438 (VCV001746438.3), dbSNP rs2509283028, ClinGen allele CA2580094432.